The following is an entry in ClinVar:

NM_000264.5(PTCH1):c.1021T>A (p.Leu341Met)

Gene: PTCH1 (patched 1; minus strand). Cytogenetic location: 9q22.32.
Variant type: single nucleotide variant.
Coding change: c.1021T>A on transcript NM_000264.5 (MANE Select); coding-DNA position 1021, T replaced by A.
Protein change: p.Leu341Met; replaces leucine 341 with methionine.
Molecular consequence: missense variant. On other transcripts: non-coding transcript variant (1).
Genome position (GRCh38, 1-based): chr9:95,480,015, A>T on the plus strand (T>A on the coding strand, the complement: PTCH1 is on the minus strand). VCF-style: chr9-95480015-A-T. GRCh37 (hg19) VCF-style: chr9-98242297-A-T.
Other names: c.823T>A, p.Leu275Met (NM_001083602.3); c.1018T>A, p.Leu340Met (NM_001083603.3); c.568T>A, p.Leu190Met (NM_001083604.3, NM_001083605.3, NM_001083606.3 and 1 more transcripts); c.1021T>A, p.Leu341Met (NM_001354918.2); short protein forms L275M, L341M, L340M, L190M.
Identifiers: ClinVar variation 580653 (VCV000580653.9), dbSNP rs780256480, ClinGen allele CA374119651.

ClinVar aggregate classification (germline): Uncertain significance (1 of 4 stars; one submission).

Conditions:
Gorlin syndrome. Also called: Basal cell nevus syndrome; Nevoid Basal Cell Carcinoma Syndrome. Identifiers: Orphanet 377, MedGen C0004779, MONDO:0007187.

Submission:

Labcorp Genetics (formerly Invitae), Labcorp
Classification: Uncertain significance for Gorlin syndrome. Last evaluated: 2025-10-19. Review status: criteria provided, single submitter. Criteria: Invitae Variant Classification Sherloc (09022015). Collection method: clinical testing. Allele origin: germline.
Comment: This sequence change replaces leucine, which is neutral and non-polar, with methionine, which is neutral and non-polar, at codon 341 of the PTCH1 protein (p.Leu341Met). This variant is not present in population databases (gnomAD no frequency). This variant has not been reported in the literature in individuals affected with PTCH1-related conditions. ClinVar contains an entry for this variant (Variation ID: 580653). Invitae Evidence Modeling of protein sequence and biophysical properties (such as structural, functional, and spatial information, amino acid conservation, physicochemical variation, residue mobility, and thermodynamic stability) has been performed for this missense variant. However, the output from this modeling did not meet the statistical confidence thresholds required to predict the impact of this variant on PTCH1 protein function. In summary, the available evidence is currently insufficient to determine the role of this variant in disease. Therefore, it has been classified as a Variant of Uncertain Significance.